The following is an entry in ClinVar:

ClinVar aggregate classification (germline): Conflicting classifications of pathogenicity. Review status: criteria provided, conflicting classifications (1 of 4 stars). 2 submissions from 2 submitters: Uncertain significance (1); Likely benign (1). Last evaluated 2024-10-21.

Allele frequency attached by ClinVar (database versions not stated): gnomAD 0.00006; ExAC 0.00007; ESP Exome Variant Server 0.00008; TOPMed 0.00008; 1000 Genomes Project 30x 0.00031; 1000 Genomes Project 0.00040.
gnomAD v4.1: 72 of 1,608,674 alleles (0.0045%); highest among the groups gnomAD compares: Middle Eastern, 0.2%; no homozygotes.

Submissions (2):

Ambry Genetics
Classification: Uncertain significance. Last evaluated: 2024-10-21. Review status: criteria provided, single submitter. Criteria: Ambry Variant Classification Scheme 2023. Collection method: clinical testing. Allele origin: germline.

CeGaT Center for Human Genetics Tuebingen
Classification: Likely benign. Last evaluated: 2023-03-01. Review status: criteria provided, single submitter. Criteria: CeGaT Center For Human Genetics Tuebingen Variant Classification Criteria Version 2. Collection method: clinical testing. Allele origin: germline. Affected: yes. Observed: 2 variant alleles.
Comment: GGT5: BP4

NM_004121.5(GGT5):c.1085G>A (p.Arg362His)

Gene: GGT5 (gamma-glutamyltransferase 5; minus strand). Cytogenetic location: 22q11.23.
Variant type: single nucleotide variant.
Coding change: c.1085G>A on transcript NM_004121.5 (MANE Select); coding-DNA position 1085, G replaced by A.
Protein change: p.Arg362His; replaces arginine 362 with histidine.
Molecular consequence: missense variant.
Genome position (GRCh38, 1-based): chr22:24,226,220, C>T on the plus strand (G>A on the coding strand, the complement: GGT5 is on the minus strand). VCF-style: chr22-24226220-C-T. GRCh37 (hg19) VCF-style: chr22-24622188-C-T.
Other names: c.1085G>A, p.Arg362His (NM_001099781.2); c.989G>A, p.Arg330His (NM_001099782.2, NM_001302464.1); c.854G>A, p.Arg285His (NM_001302465.1); short protein forms R285H, R330H, R362H.
Identifiers: ClinVar variation 2226444 (VCV002226444.27), dbSNP rs149456868, ClinGen allele CA10151358.
Genomic context (GRCh38, chr22:24,226,220, plus strand): 5'-CAGGCCTCGGCCAAGCTGTAGTGGCTGAGCTGGTGGTCCCCCCGGCCATCGATCTGTTGG[C>T]GGATGAGCTGGGCCAGGGTCTCCCCCAGCAGGTCCCGGGAGGCATTCTGGGGTGGGTGGG-3'
Protein context (NP_004112.2, residues 352-372): LLGETLAQLI[Arg362His]QQIDGRGDHQ